The following is an entry in ClinVar:

ClinVar aggregate classification (germline): Uncertain significance (1 of 4 stars; one submission).

Conditions:
Fabry disease. Also called: Fabry's disease; ALPHA-GALACTOSIDASE A DEFICIENCY; ANDERSON-FABRY DISEASE; CERAMIDE TRIHEXOSIDASE DEFICIENCY; GLA DEFICIENCY; HEREDITARY DYSTOPIC LIPIDOSIS. Identifiers: Orphanet 324, MedGen C0002986, MONDO:0010526, OMIM 301500, HP:0001071. Disease mechanism: Fabry disease is due to inactivating mutations in the X-linked GLA gene resulting in deficiency of the enzyme Alpha Galactosidase-A., loss of function.

Submission:

Genomenon, Inc
Classification: Uncertain significance for Fabry disease. Last evaluated: 2026-09-08. Review status: criteria provided, single submitter. Criteria: Genomenon Sequence Variant Interpretation Standards - Updated. Collection method: curation. Allele origin: germline. Affected: no.
Comment: GLA p.Asp170Ala (c.509A>C) is a missense variant that changes the amino acid at codon 170 from Aspartic acid to Alanine. This variant has been reported in the published literature (PMID:20444686;22195554;34944500;19940122). This variant is located in a mutational hotspot and/or important functional domain. It is absent or not present at a significant frequency in gnomAD. In silico models predict that this variant is possibly or probably damaging. In conclusion, we classify GLA p.Asp170Ala (c.509A>C) as a variant of uncertain significance.

Literature cited by the submitters: PubMed 20444686; PubMed 22195554; PubMed 34944500; PubMed 19940122.

NM_000169.3(GLA):c.509A>C (p.Asp170Ala)

Genes: GLA (galactosidase alpha; minus strand), RPL36A-HNRNPH2 (RPL36A-HNRNPH2 readthrough; plus strand). Cytogenetic location: Xq22.1.
Variant type: single nucleotide variant.
Coding change: c.509A>C on transcript NM_000169.3 (MANE Select); coding-DNA position 509, A replaced by C.
Protein change: p.Asp170Ala; replaces aspartic acid 170 with alanine.
Molecular consequence: missense variant. On other transcripts: non-coding transcript variant (3), intron variant (2).
Genome position (GRCh38, 1-based): chrX:101,401,670, T>G on the plus strand (A>C on the coding strand, the complement: GLA is on the minus strand). VCF-style: chrX-101401670-T-G. GRCh37 (hg19) VCF-style: chrX-100656658-T-G.
Other names: c.632A>C, p.Asp211Ala (NM_001406747.1, NM_001406749.1); c.509A>C, p.Asp170Ala (NM_001406748.1); c.300+6213T>G (NM_001199973.2); c.177+9848T>G (NM_001199974.2); short protein forms D170A, D211A.
Identifiers: ClinVar variation 4974893 (VCV004974893.1).